The following is an entry in ClinVar:

ClinVar aggregate classification (germline): Likely benign. Review status: criteria provided, multiple submitters, no conflicts (2 of 4 stars). 2 submissions from 2 submitters: Likely benign (2). Last evaluated 2023-12-01.

Conditions:
Global developmental delay with or without impaired intellectual development. Identifiers: MedGen C5193032, MONDO:0032680, OMIM 618330.

Submissions (2):

CeGaT Center for Human Genetics Tuebingen
Classification: Likely benign. Last evaluated: 2023-12-01. Review status: criteria provided, single submitter. Criteria: CeGaT Center For Human Genetics Tuebingen Variant Classification Criteria Version 2. Collection method: clinical testing. Allele origin: germline. Affected: yes. Observed: 2 variant alleles.
Comment: CUX1: BS1

Department of Pathology and Laboratory Medicine, Sinai Health System
Classification: Likely benign for global developmental delay with or without impaired intellectual development. Last evaluated: 2022-02-22. Review status: criteria provided, single submitter. Criteria: ACMG Guidelines, 2015. Collection method: research. Allele origin: germline.

NM_181552.4(CUX1):c.4330AGC[6] (p.Ser1448_Ala1449insSer)

Gene: CUX1 (cut like homeobox 1; plus strand). Cytogenetic location: 7q22.1.
Variant type: Microsatellite.
Coding change: c.4330AGC[6] on transcript NM_181552.4 (MANE Select); six copies in a row of the 3-base unit AGC starting at c.4330; the reference has five copies in a row; one copy, 3 bases duplicated.
Protein change: p.Ser1448_Ala1449insSer.
Molecular consequence: inframe insertion. On other transcripts: intron variant (5).
Genome position (GRCh38, 1-based): chr7:102,248,866-102,248,868, AGC duplicated; duplicating any 3 consecutive bases within chr7:102,248,853-102,248,868 gives the same sequence; the position shown is the placement nearest the transcript's 3' end. VCF-style (leftmost placement, unchanged base first): chr7-102248852-A-ACAG. GRCh37 (hg19) VCF-style: chr7-101892132-A-ACAG.
Other names: c.1139-24513CAG[6] (NM_001202546.3); c.4363AGC[6], p.Ser1459_Ala1460insSer (NM_001202543.2); c.1256-24513CAG[6] (NM_001913.5); c.1250-24513CAG[6] (NM_181500.4); c.1118-24513CAG[6] (NM_001202545.3); c.1208-24513CAG[6] (NM_001202544.3).
Identifiers: ClinVar variation 2657876 (VCV002657876.25), dbSNP rs782496763, ClinGen allele CA4411517.
Genomic context (GRCh38, chr7:102,248,852, plus strand): 5'-CAGCCGCCGCCGCGCCGGGGGAGGGCCCCGCGGCCCCGAGCTCCGCGCCGCCGCCCAGCA[A>ACAG]CAGCAGCAGCAGCAGCGCCCCCCGCAGGCCCAGCTCGCTGCAGAGCCTTTTCGGCCTCCC-3'